The following is an entry in ClinVar:

ClinVar aggregate classification (germline): Uncertain significance (1 of 4 stars; one submission).

gnomAD v4.1: 1 of 1,614,072 alleles (0.000062%); highest among the groups gnomAD compares: Non-Finnish European, 0.000085%; no homozygotes.

Submission:

GeneDx
Classification: Uncertain significance. Last evaluated: 2023-12-08. Review status: criteria provided, single submitter. Criteria: GeneDx Variant Classification Process June 2021. Collection method: clinical testing. Allele origin: germline. Affected: yes.
Comment: Not observed at significant frequency in large population cohorts (gnomAD); In silico analysis supports that this missense variant does not alter protein structure/function; Has not been previously published as pathogenic or benign to our knowledge

NM_032436.4(CHAMP1):c.2021C>T (p.Thr674Ile)

Gene: CHAMP1 (chromosome alignment maintaining phosphoprotein 1; plus strand). Cytogenetic location: 13q34.
Variant type: single nucleotide variant.
Coding change: c.2021C>T on transcript NM_032436.4 (MANE Select); coding-DNA position 2021, C replaced by T.
Protein change: p.Thr674Ile; replaces threonine 674 with isoleucine.
Molecular consequence: missense variant.
Genome position (GRCh38, 1-based): chr13:114,325,863, C>T. VCF-style: chr13-114325863-C-T. GRCh37 (hg19) VCF-style: chr13-115091338-C-T.
Other names: c.2021C>T, p.Thr674Ile (NM_001164144.3, NM_001164145.3); short protein forms T674I.
Identifiers: ClinVar variation 3364989 (VCV003364989.1).